The following is an entry in ClinVar:

NM_000455.5(STK11):c.479_489del (p.Leu160fs)

Gene: STK11 (serine/threonine kinase 11; plus strand). Cytogenetic location: 19p13.3.
Variant type: Deletion.
Coding change: c.479_489del on transcript NM_000455.5 (MANE Select); coding-DNA positions 479 to 489, 11 bases deleted (TGATTGACGGC).
Protein change: p.Leu160fs; shifts the reading frame from leucine 160.
Molecular consequence: frameshift variant.
Genome position (GRCh38, 1-based): chr19:1,220,387-1,220,397, TGATTGACGGC deleted; deleting any 11 consecutive bases within chr19:1,220,385-1,220,397 gives the same sequence; the c. name uses the placement nearest the transcript's 3' end. VCF-style (leftmost placement, unchanged base first): chr19-1220384-AGCTGATTGACG-A. GRCh37 (hg19) VCF-style: chr19-1220383-AGCTGATTGACG-A.
Other names: c.479_489delTGATTGACGGC, p.Leu160Profs (NM_001407255.1); c.479_489del11 (NM_000455.4); short protein forms L160fs.
Identifiers: ClinVar variation 1743103 (VCV001743103.2), dbSNP rs2512942525, ClinGen allele CA2580096061.

ClinVar aggregate classification (germline): Pathogenic (1 of 4 stars; one submission).

Conditions:
Hereditary cancer-predisposing syndrome. Also called: Hereditary Cancer Syndrome; Neoplastic Syndromes, Hereditary; Tumor predisposition; Hereditary neoplastic syndrome. Identifiers: Orphanet 140162, MedGen C0027672, MeSH D009386, MONDO:0015356.

Submission:

Ambry Genetics
Classification: Pathogenic for Hereditary cancer-predisposing syndrome. Last evaluated: 2022-02-18. Review status: criteria provided, single submitter. Criteria: Ambry Variant Classification Scheme 2023. Collection method: clinical testing. Allele origin: germline.
Comment: The c.479_489del11 pathogenic mutation, located in coding exon 4 of the STK11 gene, results from a deletion of 11 nucleotides at nucleotide positions 479 to 489, causing a translational frameshift with a predicted alternate stop codon (p.L160Pfs*6). This alteration has been observed in at least one individual with a personal and/or family history that is consistent with Peutz-Jeghers syndrome (PJS) (Ambry internal data). This variant is also considered to be rare based on population cohorts in the Genome Aggregation Database (gnomAD). In addition to the clinical data available, this alteration is expected to result in loss of function by premature protein truncation or nonsense-mediated mRNA decay. As such, this alteration is interpreted as a disease-causing mutation.